The following is an entry in ClinVar:

ClinVar aggregate classification (germline): Likely benign (1 of 4 stars; one submission).

Allele frequency attached by ClinVar (database versions not stated): gnomAD 0.00448; ExAC 0.00459; TOPMed 0.00469; ESP Exome Variant Server 0.00565; 1000 Genomes Project 0.00100; 1000 Genomes Project 30x 0.00156.
gnomAD v4.1: 9,809 of 1,610,406 alleles (0.61%); highest among the groups gnomAD compares: Non-Finnish European, 0.74%; 48 homozygotes.

Submission:

CeGaT Center for Human Genetics Tuebingen
Classification: Likely benign. Last evaluated: 2023-02-01. Review status: criteria provided, single submitter. Criteria: CeGaT Center For Human Genetics Tuebingen Variant Classification Criteria Version 2. Collection method: clinical testing. Allele origin: germline. Affected: yes. Observed: 1 variant allele.
Comment: NLRC3: BP4, BS2

NM_178844.4(NLRC3):c.325G>C (p.Val109Leu)

Gene: NLRC3 (NLR family CARD domain containing 3; minus strand). Cytogenetic location: 16p13.3.
Variant type: single nucleotide variant.
Coding change: c.325G>C on transcript NM_178844.4 (MANE Select); coding-DNA position 325, G replaced by C.
Protein change: p.Val109Leu; replaces valine 109 with leucine.
Molecular consequence: missense variant. On other transcripts: non-coding transcript variant (1).
Genome position (GRCh38, 1-based): chr16:3,564,612, C>G on the plus strand (G>C on the coding strand, the complement: NLRC3 is on the minus strand). VCF-style: chr16-3564612-C-G. GRCh37 (hg19) VCF-style: chr16-3614613-C-G.
Other names: short protein forms V109L.
Identifiers: ClinVar variation 2646110 (VCV002646110.24), dbSNP rs192900811, ClinGen allele CA7865121.